The following is an entry in ClinVar:

NM_000166.6(GJB1):c.6C>G (p.Asn2Lys)

Gene: GJB1 (gap junction protein beta 1; plus strand). Cytogenetic location: Xq13.1.
Variant type: single nucleotide variant.
Coding change: c.6C>G on transcript NM_000166.6 (MANE Select); coding-DNA position 6, C replaced by G.
Protein change: p.Asn2Lys; replaces asparagine 2 with lysine.
Molecular consequence: missense variant.
Genome position (GRCh38, 1-based): chrX:71,223,713, C>G. VCF-style: chrX-71223713-C-G. GRCh37 (hg19) VCF-style: chrX-70443563-C-G.
Other names: c.6C>G, p.Asn2Lys (NM_001097642.3); short protein forms N2K.
Identifiers: ClinVar variation 637157 (VCV000637157.2), dbSNP rs1602348530, ClinGen allele CA413499274.
Genomic context (GRCh38, chrX:71,223,713, plus strand): 5'-AGCTTTCTGACAGCTTGCTTCATGGCTGGTGTTTTGCAGGTGTGAATGAGGCAGGATGAA[C>G]TGGACAGGTTTGTACACCTTGCTCAGTGGCGTGAACCGGCATTCTACTGCCATTGGCCGA-3'
Protein context (NP_000157.1, residues 1-12): M[Asn2Lys]WTGLYTLLSG

ClinVar aggregate classification (germline): Likely pathogenic. Review status: criteria provided, single submitter (1 of 4 stars). 2 submissions from 2 submitters: Likely pathogenic (1). 1 of the submissions does not count toward it. Last evaluated 2024-08-31.

Conditions:
Charcot-Marie-Tooth disease. Also called: Charcot-Marie-Tooth Hereditary Neuropathy; Charcot-Marie-Tooth Neuropathy. Identifiers: Orphanet 166, MedGen C0007959, MONDO:0015626.

Submissions (2):

GeneDx
Classification: Likely pathogenic. Last evaluated: 2024-08-31. Review status: criteria provided, single submitter. Criteria: GeneDx Variant Classification Process June 2021. Collection method: clinical testing. Allele origin: germline. Affected: yes.
Comment: Not observed at significant frequency in large population cohorts (gnomAD); In silico analysis supports that this missense variant has a deleterious effect on protein structure/function; Missense variants in this gene are a common cause of disease and they are underrepresented in the general population; This variant is associated with the following publications: (PMID: 21607969)

Inherited Neuropathy Consortium
Classification: Uncertain significance for Charcot-Marie-Tooth disease. Review status: no assertion criteria provided. Collection method: literature only. Allele origin: germline. Affected: yes. Not counted in ClinVar's aggregate classification.

Literature cited by the submitters: PubMed 21607969 (cited by Inherited Neuropathy Consortium).